The following is an entry in ClinVar:

NC_000015.10:g.32672737_32712558dup

Genes: ARHGAP11A-SCG5 (ARHGAP11A-SCG5 readthrough; plus strand), SCG5 (secretogranin V; plus strand), SCG5-AS1 (SCG5 antisense RNA 1; minus strand), LOC125078054 (Sharpr-MPRA regulatory region 2498; plus strand). Cytogenetic location: 15q13.3.
Variant type: Duplication.
Identifiers: ClinVar variation 38805 (VCV000038805.2).

ClinVar aggregate classification (germline): Pathogenic (0 of 4 stars; one submission).

Conditions:
Polyposis syndrome, hereditary mixed, 1 (HMPS1). Also called: COLORECTAL ADENOMA AND CARCINOMA 1; CHROMOSOME 15q13-q14 DUPLICATION SYNDROME, 40-KB. Identifiers: Orphanet 157794, MedGen C1832587, MONDO:0042486, OMIM 601228.

Submission:

ClinVar Staff, National Center for Biotechnology Information (NCBI)
Classification: Pathogenic for Hereditary mixed polyposis syndrome 1. Last evaluated: 2012-05-06. Review status: no assertion criteria provided. Collection method: literature only. Allele origin: germline. Affected: yes.
Comment: PMID:22561515 shows that the Mendelian colorectal polyposis syndrome HMPS results from a duplication of approximately 40 kb upstream of the gene that encodes the secreted BMP antagonist GREM1. Although the duplication includes some sequence within the neighboring SCG5 gene, no difference in SCG5 expression was found relative to controls.

Literature cited by the submitters: PubMed 22561515.